The following is an entry in ClinVar:

ClinVar aggregate classification (germline): Uncertain significance (1 of 4 stars; one submission).

Conditions:
Hypertrophic cardiomyopathy. Also called: HYPERTROPHIC MYOCARDIOPATHY. Identifiers: Orphanet 217569, MedGen C0007194, MeSH D002312, MONDO:0005045, HP:0001639.

Submission:

All of Us Research Program, National Institutes of Health
Classification: Uncertain significance for Hypertrophic cardiomyopathy. Last evaluated: 2023-10-23. Review status: criteria provided, single submitter. Criteria: ACMG Guidelines, 2015. Collection method: clinical testing. Allele origin: germline. Inheritance: Autosomal dominant inheritance. Observed: 1 variant allele, 1 heterozygote.
Comment: This variant causes a deletion of two nucleotides in intron 32 of the MYBPC3 gene. To our knowledge, functional studies have not been reported for this variant. This variant has not been reported in individuals affected with MYBPC3-related disorders in the literature. This variant has not been identified in the general population by the Genome Aggregation Database (gnomAD). The available evidence is insufficient to determine the role of this variant in disease conclusively. Therefore, this variant is classified as a Variant of Uncertain Significance.

This study involves interpretation of variants in research participants for the purpose of population health screening. Participant phenotype was not available at the time of variant classification. Additional details can be found in publication PMID: 35346344, PMCID: PMC8962531

NM_000256.3(MYBPC3):c.3628-21CT[2]

Gene: MYBPC3 (myosin binding protein C3; minus strand). Cytogenetic location: 11p11.2.
Variant type: Microsatellite.
Coding change: c.3628-21CT[2] on transcript NM_000256.3 (MANE Select); two copies in a row of the 2-base unit CT starting at c.3628-21; the reference has three copies in a row; one copy, 2 bases deleted.
Molecular consequence: intron variant.
Genome position (GRCh38, 1-based): chr11:47,332,274-47,332,275, AG deleted on the plus strand (CT on the coding strand, the reverse complement: MYBPC3 is on the minus strand); deleting any 2 consecutive bases within chr11:47,332,274-47,332,279 gives the same sequence; the position shown is the placement nearest the transcript's 3' end. VCF-style (leftmost placement, unchanged base first): chr11-47332273-AAG-A. GRCh37 (hg19) VCF-style: chr11-47353824-AAG-A.
Identifiers: ClinVar variation 3074060 (VCV003074060.1), dbSNP rs2495736750, ClinGen allele CA2613355895.